The following is an entry in ClinVar:

ClinVar aggregate classification (germline): Uncertain significance. Review status: criteria provided, multiple submitters, no conflicts (2 of 4 stars). 2 submissions from 2 submitters: Uncertain significance (2). Last evaluated 2024-09-10.

Conditions:
Hereditary cancer-predisposing syndrome. Also called: Neoplastic Syndromes, Hereditary; Hereditary Cancer Syndrome; Tumor predisposition; Hereditary neoplastic syndrome. Identifiers: Orphanet 140162, MedGen C0027672, MeSH D009386, MONDO:0015356.
DICER1-related tumor predisposition. Also called: DICER1-related pleuropulmonary blastoma cancer predisposition syndrome; DICER1 syndrome. Identifiers: Orphanet 284343, MedGen C3839822, MONDO:0100216.

Allele frequency attached by ClinVar (database versions not stated): TOPMed below 0.00001.

Submissions (2):

Ambry Genetics
Classification: Uncertain significance for Hereditary cancer-predisposing syndrome. Last evaluated: 2024-09-10. Review status: criteria provided, single submitter. Criteria: Ambry Variant Classification Scheme 2023. Collection method: clinical testing. Allele origin: germline.
Comment: The p.P315L variant (also known as c.944C>T), located in coding exon 7 of the DICER1 gene, results from a C to T substitution at nucleotide position 944. The proline at codon 315 is replaced by leucine, an amino acid with similar properties. This amino acid position is highly conserved in available vertebrate species. In addition, this alteration is predicted to be deleterious by in silico analysis. Based on the available evidence, the clinical significance of this variant remains unclear.

Labcorp Genetics (formerly Invitae), Labcorp
Classification: Uncertain significance for DICER1-related tumor predisposition. Last evaluated: 2021-08-29. Review status: criteria provided, single submitter. Criteria: Invitae Variant Classification Sherloc (09022015). Collection method: clinical testing. Allele origin: germline.
Comment: In summary, the available evidence is currently insufficient to determine the role of this variant in disease. Therefore, it has been classified as a Variant of Uncertain Significance. Algorithms developed to predict the effect of missense changes on protein structure and function (SIFT, PolyPhen-2, Align-GVGD) all suggest that this variant is likely to be disruptive. This variant has not been reported in the literature in individuals affected with DICER1-related conditions. This variant is not present in population databases (ExAC no frequency). This sequence change replaces proline with leucine at codon 315 of the DICER1 protein (p.Pro315Leu). The proline residue is highly conserved and there is a moderate physicochemical difference between proline and leucine.

NM_177438.3(DICER1):c.944C>T (p.Pro315Leu)

Gene: DICER1 (dicer 1, ribonuclease III; minus strand). Cytogenetic location: 14q32.13.
Variant type: single nucleotide variant.
Coding change: c.944C>T on transcript NM_177438.3 (MANE Select); coding-DNA position 944, C replaced by T.
Protein change: p.Pro315Leu; replaces proline 315 with leucine.
Molecular consequence: missense variant.
Genome position (GRCh38, 1-based): chr14:95,124,628, G>A on the plus strand (C>T on the coding strand, the complement: DICER1 is on the minus strand). VCF-style: chr14-95124628-G-A. GRCh37 (hg19) VCF-style: chr14-95590965-G-A.
Other names: c.944C>T, p.Pro315Leu (NM_001195573.1, NM_001271282.3, NM_001291628.2 and 1 more transcripts); short protein forms P315L.
Identifiers: ClinVar variation 1439365 (VCV001439365.10), dbSNP rs956714281, ClinGen allele CA265923539.
Genomic context (GRCh38, chr14:95,124,628, plus strand): 5'-TGTTTGATGTATTTCTGTAGTTCTCTTACCATCATTCCAGCTACTTTATCTGCACACCAG[G>A]GTCCCAGAACTACCAATACGGCACGACAGTCTGATAGTATCTACAAAAAAAAGAAAAGAA-3'
Protein context (NP_803187.1, residues 305-325): DCRAVLVVLG[Pro315Leu]WCADKVAGMM